The following is an entry in ClinVar:

ClinVar aggregate classification (germline): Uncertain significance (1 of 4 stars; one submission).

Allele frequency attached by ClinVar (database versions not stated): TOPMed 0.00002.
gnomAD v4.1: 6 of 1,613,822 alleles (0.00037%); highest among the groups gnomAD compares: Non-Finnish European, 0.00051%; no homozygotes.

Submission:

GeneDx
Classification: Uncertain significance. Last evaluated: 2014-09-09. Review status: criteria provided, single submitter. Criteria: GeneDx Variant Classification (06012015). Collection method: clinical testing. Allele origin: germline. Affected: yes.
Comment: Missense variants in the TTN gene are considered 'unclassified' if they are not previously reported in the literature and do not have >1% frequency in the population to be considered a polymorphism. Research indicates that truncating mutations in the TTN gene are expected to account for approximately 25% of familial and 18% of sporadic idiopathic DCM; however, truncating variants in the TTN gene have been reported in approximately 3% of reported control alleles. There has been little investigation into non-truncating variants. (Herman D et al. Truncations of titin causing dilated cardiomyopathy. N Eng J Med 366:619-628, 2012) The variant is found in CARDIOMYOPATHY panel(s).

NM_001267550.2(TTN):c.4247G>C (p.Arg1416Pro)

Genes: TTN (titin; minus strand), LOC101927055 (uncharacterized LOC101927055; plus strand). Cytogenetic location: 2q31.2.
Variant type: single nucleotide variant.
Coding change: c.4247G>C on transcript NM_001267550.2 (MANE Select); coding-DNA position 4247, G replaced by C.
Protein change: p.Arg1416Pro; replaces arginine 1416 with proline.
Molecular consequence: missense variant. On other transcripts: non-coding transcript variant (1).
Genome position (GRCh38, 1-based): chr2:178,777,937, C>G on the plus strand (G>C on the coding strand, the complement: TTN is on the minus strand). VCF-style: chr2-178777937-C-G. GRCh37 (hg19) VCF-style: chr2-179642664-C-G.
Other names: p.R1416P:CGC>CCC; c.4109G>C, p.Arg1370Pro (NM_003319.4, NM_133432.3, NM_133437.4); c.4247G>C, p.Arg1416Pro (NM_133378.4, NM_133379.5, NM_001256850.1); short protein forms R1416P, R1370P.
Identifiers: ClinVar variation 203126 (VCV000203126.2), dbSNP rs750278602, ClinGen allele CA311334.